The following is an entry in ClinVar:

NM_012434.5(SLC17A5):c.915_916del (p.Phe305fs)

Gene: SLC17A5 (solute carrier family 17 member 5; minus strand). Cytogenetic location: 6q13.
Variant type: Deletion.
Coding change: c.915_916del on transcript NM_012434.5 (MANE Select); coding-DNA positions 915 to 916, 2 bases deleted (TT; older notation c.915_916delTT).
Protein change: p.Phe305fs; shifts the reading frame from phenylalanine 305.
Molecular consequence: frameshift variant. On other transcripts: intron variant (1).
Genome position (GRCh38, 1-based): chr6:73,621,866-73,621,867, AA deleted on the plus strand (TT on the coding strand, the reverse complement: SLC17A5 is on the minus strand); deleting any 2 consecutive bases within chr6:73,621,866-73,621,870 gives the same sequence; the c. name uses the placement nearest the transcript's 3' end. VCF-style (leftmost placement, unchanged base first): chr6-73621865-TAA-T. GRCh37 (hg19) VCF-style: chr6-74331588-TAA-T.
Other names: c.684_685del, p.Phe228fs (NM_001382629.1); c.915_916del, p.Phe305fs (NM_001382630.1, NM_001382633.1); c.936_937del, p.Phe312fs (NM_001382631.1); c.828_829del, p.Phe276fs (NM_001382632.1); c.912_913del, p.Phe304fs (NM_001382635.1); c.597_598del, p.Phe199fs (NM_001382636.1); c.820-6420_820-6419del (NM_001382634.1); short protein forms F199fs, F228fs, F276fs, F304fs, F305fs, F312fs.
Identifiers: ClinVar variation 1725816 (VCV001725816.3), dbSNP rs2533450349, ClinGen allele CA2580075761.

ClinVar aggregate classification (germline): Likely pathogenic (1 of 4 stars; one submission).

Conditions:
Sialic acid storage disease, severe infantile type (ISSD). Also called: INFANTILE SIALIC ACID STORAGE DISORDER; N-ACETYLNEURAMINIC ACID STORAGE DISEASE; NANA STORAGE DISEASE; SIALURIA, INFANTILE FORM; Infantile Sialic Acid Storage Disease; Free sialic acid storage disease, infantile form. Identifiers: Orphanet 309324, Orphanet 834, MedGen C1096902, MONDO:0010027, OMIM 269920.

Submission:

Myriad Genetics, Inc.
Classification: Likely pathogenic for Sialic acid storage disease, severe infantile type. Last evaluated: 2022-04-01. Review status: criteria provided, single submitter. Criteria: Myriad Autosomal Dominant, Autosomal Recessive and X-Linked Classification Criteria (2023). Collection method: clinical testing. Allele origin: unknown.
Comment: NM_012434.4(SLC17A5):c.915_916delTT(F305Lfs*45) is expected to be pathogenic in the context of free sialic acid storage disorders. This variant is predicted to lead to an abnormal or absent protein product due to the creation of a premature termination codon in SLC17A5, a gene where loss-of-function variants are known to be pathogenic. Please note: this variant was assessed in the context of healthy population screening.